The following is an entry in ClinVar:

NM_001083961.2(WDR62):c.269+6C>T

Gene: WDR62 (WD repeat domain 62; plus strand). Cytogenetic location: 19q13.12.
Variant type: single nucleotide variant.
Coding change: c.269+6C>T on transcript NM_001083961.2 (MANE Select); 6 bases into the intron after coding-DNA position 269, C replaced by T.
Molecular consequence: intron variant.
Genome position (GRCh38, 1-based): chr19:36,058,877, C>T. VCF-style: chr19-36058877-C-T. GRCh37 (hg19) VCF-style: chr19-36549779-C-T.
Other names: c.269+6C>T (NM_173636.5).
Identifiers: ClinVar variation 1467578 (VCV001467578.6), dbSNP rs1970499114, ClinGen allele CA2333949890.

ClinVar aggregate classification (germline): Uncertain significance (1 of 4 stars; one submission).

Allele frequency attached by ClinVar (database versions not stated): gnomAD exomes below 0.00001; TOPMed below 0.00001.
gnomAD v4.1: 1 of 1,611,268 alleles (0.000062%); highest among the groups gnomAD compares: Non-Finnish European, 0.000085%; no homozygotes.

Submission:

Labcorp Genetics (formerly Invitae), Labcorp
Classification: Uncertain significance. Last evaluated: 2020-12-05. Review status: criteria provided, single submitter. Criteria: Invitae Variant Classification Sherloc (09022015). Collection method: clinical testing. Allele origin: germline.
Comment: This sequence change falls in intron 2 of the WDR62 gene. It does not directly change the encoded amino acid sequence of the WDR62 protein. It affects a nucleotide within the consensus splice site of the intron. This variant is not present in population databases (ExAC no frequency). This variant has not been reported in the literature in individuals with WDR62-related conditions. Nucleotide substitutions within the consensus splice site are a relatively common cause of aberrant splicing (PMID: 17576681, 9536098). Algorithms developed to predict the effect of sequence changes on RNA splicing suggest that this variant is not likely to affect RNA splicing, but this prediction has not been confirmed by published transcriptional studies. In summary, the available evidence is currently insufficient to determine the role of this variant in disease. Therefore, it has been classified as a Variant of Uncertain Significance.

Literature cited by the submitters: PubMed 17576681; PubMed 9536098.